The following is an entry in ClinVar:

ClinVar aggregate classification (germline): Pathogenic (1 of 4 stars; one submission).

Conditions:
Spermatogenic failure 16 (SPGF16). Also called: ACEPHALIC SPERMATOZOA SYNDROME. Identifiers: MedGen C4310674, MONDO:0014961, OMIM 617187.

Submission:

Juno Genomics, Hangzhou Juno Genomics, Inc
Classification: Pathogenic for Spermatogenic failure 16. Review status: criteria provided, single submitter. Criteria: ACMG Guidelines, 2015. Collection method: clinical testing. Allele origin: germline.
Comment: Absent from controls (or at extremely low frequency if recessive) in Genome Aggregation Database.;For recessive disorders, detected in trans with a pathogenic variant.;Patient's phenotype or family history is highly specific for a disease with a single genetic etiology.

NM_080675.4(SUN5):c.1043A>T (p.Asn348Ile)

Gene: SUN5 (Sad1 and UNC84 domain containing 5; minus strand). Cytogenetic location: 20q11.21.
Variant type: single nucleotide variant.
Coding change: c.1043A>T on transcript NM_080675.4 (MANE Select); coding-DNA position 1043, A replaced by T.
Protein change: p.Asn348Ile; replaces asparagine 348 with isoleucine.
Molecular consequence: missense variant.
Genome position (GRCh38, 1-based): chr20:32,983,891, T>A on the plus strand (A>T on the coding strand, the complement: SUN5 is on the minus strand). VCF-style: chr20-32983891-T-A. GRCh37 (hg19) VCF-style: chr20-31571697-T-A.
Other names: short protein forms N348I.
Identifiers: ClinVar variation 5019201 (VCV005019201.2).